The following is an entry in ClinVar:

NM_152594.3(SPRED1):c.87_88dup (p.Gly30fs)

Gene: SPRED1 (sprouty related EVH1 domain containing 1; plus strand). Cytogenetic location: 15q14.
Variant type: Duplication.
Coding change: c.87_88dup on transcript NM_152594.3 (MANE Select); coding-DNA positions 87 to 88, 2 bases duplicated (TG; older notation c.87_88dupTG).
Protein change: p.Gly30fs; shifts the reading frame from glycine 30.
Molecular consequence: frameshift variant.
Genome position (GRCh38, 1-based): chr15:38,299,427-38,299,428, TG duplicated; duplicating any 2 consecutive bases within chr15:38,299,426-38,299,428 gives the same sequence; the c. name uses the placement nearest the transcript's 3' end. VCF-style (leftmost placement, unchanged base first): chr15-38299425-G-GGT. GRCh37 (hg19) VCF-style: chr15-38591626-G-GGT.
Other names: short protein forms G30fs.
Identifiers: ClinVar variation 3721638 (VCV003721638.2).

ClinVar aggregate classification (germline): Pathogenic (1 of 4 stars; one submission).

Conditions:
Legius syndrome. Identifiers: Orphanet 137605, MedGen C1969623, MONDO:0012669, OMIM 611431. Disease mechanism: loss of function.

Submission:

Labcorp Genetics (formerly Invitae), Labcorp
Classification: Pathogenic for Legius syndrome. Last evaluated: 2024-05-05. Review status: criteria provided, single submitter. Criteria: Invitae Variant Classification Sherloc (09022015). Collection method: clinical testing. Allele origin: germline.
Comment: This sequence change creates a premature translational stop signal (p.Gly30Valfs*11) in the SPRED1 gene. It is expected to result in an absent or disrupted protein product. Loss-of-function variants in SPRED1 are known to be pathogenic (PMID: 17704776). This variant is not present in population databases (gnomAD no frequency). This premature translational stop signal has been observed in individual(s) with clinical features of Legius syndrome (PMID: 21548021). For these reasons, this variant has been classified as Pathogenic.

Literature cited by the submitters: PubMed 17704776; PubMed 21548021.